The following is an entry in ClinVar:

NM_001723.7(DST):c.6564A>G (p.Thr2188=)

Gene: DST (dystonin; minus strand). Cytogenetic location: 6p12.1.
Variant type: single nucleotide variant.
Coding change: c.6564A>G on transcript NM_001723.7 (MANE Plus Clinical); coding-DNA position 6564, A replaced by G.
Protein change: p.Thr2188=; no amino-acid change (threonine 2188 retained).
Molecular consequence: synonymous variant. On other transcripts: intron variant (10).
Genome position (GRCh38, 1-based): chr6:56,616,903, T>C on the plus strand (A>G on the coding strand, the complement: DST is on the minus strand). VCF-style: chr6-56616903-T-C. GRCh37 (hg19) VCF-style: chr6-56481701-T-C.
Other names: c.4831-2419A>G (NM_001144769.5); c.4930-2419A>G (NM_001374722.1, NM_001374736.1); c.4957-2419A>G (NM_001374734.1); c.4417-2419A>G (NM_001144770.2); c.4297-2419A>G (NM_001374730.1, NM_001386100.1, NM_183380.4 and 1 more transcripts); c.3319-2419A>G (NM_015548.5); c.6564A>G (NM_001723.5).
Identifiers: ClinVar variation 1588024 (VCV001588024.9), dbSNP rs772905590, ClinGen allele CA3870136.
Genomic context (GRCh38, chr6:56,616,903, plus strand): 5'-AAGCCTAATTCTGAATTCGGGGTCAACAACTCCTTTAAGAACTGCATCTTCAACAGAATA[T>C]GTCTGACCTGAAATGGGATCAATTATAAAACCTGTTGCAGCCTGAGCTTCTAAAAATGCC-3'
Protein context (NP_001714.1, residues 2178-2198): GFIIDPISGQ[Thr2188=]YSVEDAVLKG

ClinVar aggregate classification (germline): Likely benign. Review status: criteria provided, multiple submitters, no conflicts (2 of 4 stars). 2 submissions from 2 submitters: Likely benign (2). Last evaluated 2025-08-12.

Conditions:
DST-related disorder. Also called: DST-related disorders; DST-related condition.
Epidermolysis bullosa simplex 3, localized or generalized intermediate, with BP230 deficiency (EBS3). Also called: Epidermolysis bullosa simplex, autosomal recessive 2; Epidermolysis bullosa simplex due to BP230 deficiency. Identifiers: Orphanet 412181, MedGen C3809470, MONDO:0014180, OMIM 615425.
Hereditary sensory and autonomic neuropathy type 6. Also called: HSAN VI; Neuropathy, hereditary sensory and autonomic, type VI. Identifiers: Orphanet 314381, MedGen C3539003, MONDO:0013839, OMIM 614653.

Allele frequency attached by ClinVar (database versions not stated): gnomAD 0.00002; TOPMed 0.00002; gnomAD exomes 0.00006; ExAC 0.00008.
gnomAD v4.1: 40 of 1,611,894 alleles (0.0025%); highest among the groups gnomAD compares: Non-Finnish European, 0.0032%; no homozygotes.

Submissions (2):

PreventionGenetics, part of Exact Sciences
Classification: Likely benign for DST-related condition. Last evaluated: 2025-08-12. Review status: criteria provided, single submitter. Criteria: ACMG Guidelines, 2015. Collection method: clinical testing. Allele origin: germline.
Comment: This variant is classified as likely benign based on ACMG/AMP sequence variant interpretation guidelines (Richards et al. 2015 PMID: 25741868, with internal and published modifications).

Labcorp Genetics (formerly Invitae), Labcorp
Classification: Likely benign for Epidermolysis bullosa simplex 3, localized or generalized intermediate, with BP230 deficiency; Hereditary sensory and autonomic neuropathy type 6. Last evaluated: 2024-10-22. Review status: criteria provided, single submitter. Criteria: Invitae Variant Classification Sherloc (09022015). Collection method: clinical testing. Allele origin: germline.